The following is an entry in ClinVar:

ClinVar aggregate classification (germline): Benign. Review status: criteria provided, multiple submitters, no conflicts (2 of 4 stars). 4 submissions from 4 submitters: Benign (4). Last evaluated 2026-01-26.

Conditions:
Imerslund-Grasbeck syndrome type 1 (IGS1). Also called: Megaloblastic anemia 1, Finnish type; MEGALOBLASTIC ANEMIA, 1; Imerslund-Gräsbeck syndrome 1. Identifiers: MedGen C4016819, MONDO:0100156, OMIM 261100.
Imerslund-Grasbeck syndrome. Also called: ENTEROCYTE COBALAMIN MALABSORPTION; ENTEROCYTE INTRINSIC FACTOR RECEPTOR, DEFECT OF; Megaloblastic anemia due to inborn errors of metabolism; Imerslund-Gräsbeck syndrome; PERNICIOUS ANEMIA, JUVENILE, DUE TO SELECTIVE INTESTINAL MALABSORPTION OF VITAMIN B12, WITH PROTEINURIA. Identifiers: Orphanet 35858, MedGen C4551825, MONDO:0009853.

Allele frequency attached by ClinVar (database versions not stated): gnomAD exomes 0.00161 and 0.00507; ExAC 0.00523; ESP Exome Variant Server 0.00723; gnomAD 0.00782 and 0.00789; TOPMed 0.00880; 1000 Genomes Project 30x 0.01483; 1000 Genomes Project 0.01538.
gnomAD v4.1: 3,680 of 1,613,966 alleles (0.23%); highest among the groups gnomAD compares: East Asian, 2.9%; 47 homozygotes.

Submissions (13):

Labcorp Genetics (formerly Invitae), Labcorp
Classification: Benign for Imerslund-Grasbeck syndrome. Last evaluated: 2026-01-26. Review status: criteria provided, single submitter. Criteria: Invitae Variant Classification Sherloc (09022015). Collection method: clinical testing. Allele origin: germline.

Mayo Clinic Laboratories, Mayo Clinic
Classification: Benign. Last evaluated: 2023-02-17. Review status: criteria provided, single submitter. Criteria: ACMG Guidelines, 2015. Collection method: clinical testing. Allele origin: germline. Observed: 4 variant alleles.
Comment: BS1, BS2, BP4

Illumina Laboratory Services, Illumina
Classification: Benign for Imerslund-Grasbeck syndrome type 1. Last evaluated: 2018-01-13. Review status: criteria provided, single submitter. Criteria: ICSL Variant Classification Criteria 13 December 2019. Collection method: clinical testing. Allele origin: germline.
Comment: This variant was observed in the ICSL laboratory as part of a predisposition screen in an ostensibly healthy population. It had not been previously curated by ICSL or reported in the Human Gene Mutation Database (HGMD: prior to June 1st, 2018), and was therefore a candidate for classification through an automated scoring system. Utilizing variant allele frequency, disease prevalence and penetrance estimates, and inheritance mode, an automated score was calculated to assess if this variant is too frequent to cause the disease. Based on the score and internal cut-off values, a variant classified as benign is not then subjected to further curation. The score for this variant resulted in a classification of benign for this disease.

Breakthrough Genomics
Classification: Benign. Review status: criteria provided, single submitter. Criteria: ACMG Guidelines, 2015. Collection method: not provided. Allele origin: germline. Inheritance: Autosomal recessive inheritance. Affected: yes.

Dr. Peter K. Rogan Lab, Western University
No classification provided (evidence only). Condition: Clear cell carcinoma of kidney. Review status: no classification provided. Collection method: in vitro. Allele origin: not applicable. Functional consequence: retained intron. Not counted in ClinVar's aggregate classification.

Dr. Peter K. Rogan Lab, Western University
No classification provided (evidence only). Condition: Clear cell carcinoma of kidney. Review status: no classification provided. Collection method: in vitro. Allele origin: not applicable. Functional consequence: retained intron. Not counted in ClinVar's aggregate classification.

Dr. Peter K. Rogan Lab, Western University
No classification provided (evidence only). Condition: Clear cell carcinoma of kidney. Review status: no classification provided. Collection method: in vitro. Allele origin: not applicable. Functional consequence: retained intron. Not counted in ClinVar's aggregate classification.

Dr. Peter K. Rogan Lab, Western University
No classification provided (evidence only). Condition: Clear cell carcinoma of kidney. Review status: no classification provided. Collection method: in vitro. Allele origin: not applicable. Functional consequence: retained intron. Not counted in ClinVar's aggregate classification.

Dr. Peter K. Rogan Lab, Western University
No classification provided (evidence only). Condition: Melanoma. Review status: no classification provided. Collection method: in vitro. Allele origin: not applicable. Functional consequence: retained intron. Not counted in ClinVar's aggregate classification.

Dr. Peter K. Rogan Lab, Western University
No classification provided (evidence only). Condition: Cervical cancer. Review status: no classification provided. Collection method: in vitro. Allele origin: not applicable. Functional consequence: retained intron. Not counted in ClinVar's aggregate classification.

Dr. Peter K. Rogan Lab, Western University
No classification provided (evidence only). Condition: Hepatocellular carcinoma. Review status: no classification provided. Collection method: in vitro. Allele origin: not applicable. Functional consequence: retained intron. Not counted in ClinVar's aggregate classification.

Dr. Peter K. Rogan Lab, Western University
No classification provided (evidence only). Condition: Ovarian serous cystadenocarcinoma. Review status: no classification provided. Collection method: in vitro. Allele origin: not applicable. Functional consequence: retained intron. Not counted in ClinVar's aggregate classification.

Dr. Peter K. Rogan Lab, Western University
No classification provided (evidence only). Condition: Gastric cancer. Review status: no classification provided. Collection method: in vitro. Allele origin: not applicable. Functional consequence: retained intron. Not counted in ClinVar's aggregate classification.

NM_001081.4(CUBN):c.10039G>A (p.Gly3347Arg)

Gene: CUBN (cubilin; minus strand). Cytogenetic location: 10p13.
Variant type: single nucleotide variant.
Coding change: c.10039G>A on transcript NM_001081.4 (MANE Select); coding-DNA position 10039, G replaced by A.
Protein change: p.Gly3347Arg; replaces glycine 3347 with arginine.
Molecular consequence: missense variant.
Genome position (GRCh38, 1-based): chr10:16,836,376, C>T on the plus strand (G>A on the coding strand, the complement: CUBN is on the minus strand). VCF-style: chr10-16836376-C-T. GRCh37 (hg19) VCF-style: chr10-16878375-C-T.
Other names: p.Gly3347Arg; short protein forms G3347R.
Identifiers: ClinVar variation 299371 (VCV000299371.18), dbSNP rs146027947, ClinGen allele CA5422494.